The following is an entry in ClinVar:

ClinVar aggregate classification (germline): Uncertain significance (1 of 4 stars; one submission).

Submission:

GeneDx
Classification: Uncertain significance. Last evaluated: 2024-12-12. Review status: criteria provided, single submitter. Criteria: GeneDx Variant Classification Process June 2021. Collection method: clinical testing. Allele origin: germline. Affected: yes.
Comment: Not observed at significant frequency in large population cohorts (gnomAD); In silico analysis indicates that this missense variant does not alter protein structure/function; Has not been previously published as pathogenic or benign to our knowledge

NM_001297595.2(SIN3B):c.2052C>G (p.Asp684Glu)

Gene: SIN3B (SIN3 transcription regulator family member B; plus strand). Cytogenetic location: 19p13.11.
Variant type: single nucleotide variant.
Coding change: c.2052C>G on transcript NM_001297595.2 (MANE Select); coding-DNA position 2052, C replaced by G.
Protein change: p.Asp684Glu; replaces aspartic acid 684 with glutamic acid.
Molecular consequence: missense variant.
Genome position (GRCh38, 1-based): chr19:16,869,705, C>G. VCF-style: chr19-16869705-C-G. GRCh37 (hg19) VCF-style: chr19-16980516-C-G.
Other names: c.822C>G, p.Asp274Glu (NM_001297597.2); c.2148C>G, p.Asp716Glu (NM_015260.4); short protein forms D274E, D684E, D716E.
Identifiers: ClinVar variation 3903013 (VCV003903013.1).